The following is an entry in ClinVar:

ClinVar aggregate classification (germline): Uncertain significance (1 of 4 stars; one submission).

Submission:

Labcorp Genetics (formerly Invitae), Labcorp
Classification: Uncertain significance. Last evaluated: 2023-10-22. Review status: criteria provided, single submitter. Criteria: Invitae Variant Classification Sherloc (09022015). Collection method: clinical testing. Allele origin: germline.
Comment: This sequence change replaces aspartic acid, which is acidic and polar, with valine, which is neutral and non-polar, at codon 1153 of the PHIP protein (p.Asp1153Val). This variant is not present in population databases (gnomAD no frequency). This variant has not been reported in the literature in individuals affected with PHIP-related conditions. ClinVar contains an entry for this variant (Variation ID: 2011508). Advanced modeling of protein sequence and biophysical properties (such as structural, functional, and spatial information, amino acid conservation, physicochemical variation, residue mobility, and thermodynamic stability) performed at Invitae indicates that this missense variant is not expected to disrupt PHIP protein function. In summary, the available evidence is currently insufficient to determine the role of this variant in disease. Therefore, it has been classified as a Variant of Uncertain Significance.

NM_017934.7(PHIP):c.3458A>T (p.Asp1153Val)

Genes: IRAK1BP1 (interleukin 1 receptor associated kinase 1 binding protein 1; plus strand), PHIP (PHIP subunit of CUL4-Ring ligase complex; minus strand). Cytogenetic location: 6q14.1.
Variant type: single nucleotide variant.
Coding change: c.3458A>T on transcript NM_017934.7 (MANE Select); coding-DNA position 3458, A replaced by T.
Protein change: p.Asp1153Val; replaces aspartic acid 1153 with valine.
Molecular consequence: missense variant.
Genome position (GRCh38, 1-based): chr6:78,963,174, T>A on the plus strand (A>T on the coding strand, the complement: PHIP is on the minus strand). VCF-style: chr6-78963174-T-A. GRCh37 (hg19) VCF-style: chr6-79672891-T-A.
Other names: short protein forms D1153V.
Identifiers: ClinVar variation 2011508 (VCV002011508.4), dbSNP rs2481866330, ClinGen allele CA364646326.